The following is an entry in ClinVar:

NM_138691.3(TMC1):c.2208+4T>C

Gene: TMC1 (transmembrane channel like 1; plus strand). Cytogenetic location: 9q21.13.
Variant type: single nucleotide variant.
Coding change: c.2208+4T>C on transcript NM_138691.3 (MANE Select); 4 bases into the intron after coding-DNA position 2208, T replaced by C.
Molecular consequence: intron variant.
Genome position (GRCh38, 1-based): chr9:72,830,533, T>C. VCF-style: chr9-72830533-T-C. GRCh37 (hg19) VCF-style: chr9-75445449-T-C.
Identifiers: ClinVar variation 4885115 (VCV004885115.2).

ClinVar aggregate classification (germline): Uncertain significance (1 of 4 stars; one submission).

Submission:

Dasa
Classification: Uncertain significance. Last evaluated: 2025-10-25. Review status: criteria provided, single submitter. Criteria: DASA Assertion Criteria. Collection method: clinical testing. Allele origin: germline.
Comment: NM_138691.3(TMC1):c.2208+4T>C is a splice-region variant. This variant is absent from population databases. Computational prediction algorithms are consistent with a benign effect. The currently available literature and clinical evidence are not sufficient to establish a definitive association between this variant and the reported condition. Therefore, this variant is classified as a variant of uncertain significance.